The following is an entry in ClinVar:

ClinVar aggregate classification (germline): Uncertain significance (1 of 4 stars; one submission).

Allele frequency attached by ClinVar (database versions not stated): gnomAD 0.00003; TOPMed 0.00003; ExAC 0.00005; 1000 Genomes Project 30x 0.00016; 1000 Genomes Project 0.00020; ESP Exome Variant Server 0.00008.
gnomAD v4.1: 49 of 1,614,108 alleles (0.003%); highest among the groups gnomAD compares: Middle Eastern, 0.016%; no homozygotes.

Submission:

Labcorp Genetics (formerly Invitae), Labcorp
Classification: Uncertain significance. Last evaluated: 2022-10-26. Review status: criteria provided, single submitter. Criteria: Invitae Variant Classification Sherloc (09022015). Collection method: clinical testing. Allele origin: germline.
Comment: This variant is present in population databases (rs199518471, gnomAD 0.007%). In summary, the available evidence is currently insufficient to determine the role of this variant in disease. Therefore, it has been classified as a Variant of Uncertain Significance. Algorithms developed to predict the effect of missense changes on protein structure and function output the following: SIFT: "Tolerated"; PolyPhen-2: "Benign"; Align-GVGD: "Class C0". The histidine amino acid residue is found in multiple mammalian species, which suggests that this missense change does not adversely affect protein function. This variant has not been reported in the literature in individuals affected with IGSF10-related conditions. This sequence change replaces arginine, which is basic and polar, with histidine, which is basic and polar, at codon 644 of the IGSF10 protein (p.Arg644His).

NM_178822.5(IGSF10):c.1931G>A (p.Arg644His)

Gene: IGSF10 (immunoglobulin superfamily member 10; minus strand). Cytogenetic location: 3q25.1.
Variant type: single nucleotide variant.
Coding change: c.1931G>A on transcript NM_178822.5 (MANE Select); coding-DNA position 1931, G replaced by A.
Protein change: p.Arg644His; replaces arginine 644 with histidine.
Molecular consequence: missense variant.
Genome position (GRCh38, 1-based): chr3:151,448,050, C>T on the plus strand (G>A on the coding strand, the complement: IGSF10 is on the minus strand). VCF-style: chr3-151448050-C-T. GRCh37 (hg19) VCF-style: chr3-151165838-C-T.
Other names: c.1931G>A, p.Arg644His (NM_001385060.1, NM_001385061.1, NM_001385062.1 and 1 more transcripts); short protein forms R644H.
Identifiers: ClinVar variation 2174755 (VCV002174755.4), dbSNP rs199518471, ClinGen allele CA2670444.